The following is an entry in ClinVar:

NM_033004.4(NLRP1):c.2624A>G (p.Asn875Ser)

Gene: NLRP1 (NLR family pyrin domain containing 1; minus strand). Cytogenetic location: 17p13.2.
Variant type: single nucleotide variant.
Coding change: c.2624A>G on transcript NM_033004.4 (MANE Select); coding-DNA position 2624, A replaced by G.
Protein change: p.Asn875Ser; replaces asparagine 875 with serine.
Molecular consequence: missense variant.
Genome position (GRCh38, 1-based): chr17:5,541,932, T>C on the plus strand (A>G on the coding strand, the complement: NLRP1 is on the minus strand). VCF-style: chr17-5541932-T-C. GRCh37 (hg19) VCF-style: chr17-5445252-T-C.
Other names: c.2624A>G, p.Asn875Ser (NM_001033053.3, NM_014922.5, NM_033006.4 and 1 more transcripts); short protein forms N875S.
Identifiers: ClinVar variation 4751156 (VCV004751156.2).

ClinVar aggregate classification (germline): Uncertain significance. Review status: criteria provided, multiple submitters, no conflicts (2 of 4 stars). 2 submissions from 2 submitters: Uncertain significance (2). Last evaluated 2025-09-06.

gnomAD v4.1: 61 of 1,613,928 alleles (0.0038%); highest among the groups gnomAD compares: Middle Eastern, 0.049%; no homozygotes.

Submissions (2):

Labcorp Genetics (formerly Invitae), Labcorp
Classification: Uncertain significance. Last evaluated: 2025-09-06. Review status: criteria provided, single submitter. Criteria: Invitae Variant Classification Sherloc (09022015). Collection method: clinical testing. Allele origin: germline.
Comment: This sequence change replaces asparagine, which is neutral and polar, with serine, which is neutral and polar, at codon 875 of the NLRP1 protein (p.Asn875Ser). This variant is present in population databases (rs202218652, gnomAD 0.008%). This variant has not been reported in the literature in individuals affected with NLRP1-related conditions. An algorithm developed to predict the effect of missense changes on protein structure and function (PolyPhen-2) suggests that this variant is likely to be disruptive. In summary, the available evidence is currently insufficient to determine the role of this variant in disease. Therefore, it has been classified as a Variant of Uncertain Significance.

Blueprint Genetics
Classification: Uncertain significance. Last evaluated: 2022-05-31. Review status: criteria provided, single submitter. Criteria: ACMG Guidelines, 2015. Collection method: clinical testing. Allele origin: germline.